The following is an entry in ClinVar:

ClinVar aggregate classification (germline): Uncertain significance (1 of 4 stars; one submission).

Conditions:
Hereditary cancer-predisposing syndrome. Also called: Tumor predisposition; Hereditary Cancer Syndrome; Hereditary neoplastic syndrome; Neoplastic Syndromes, Hereditary. Identifiers: Orphanet 140162, MedGen C0027672, MeSH D009386, MONDO:0015356.

Submission:

Ambry Genetics
Classification: Uncertain significance for Hereditary cancer-predisposing syndrome. Last evaluated: 2023-07-17. Review status: criteria provided, single submitter. Criteria: Ambry Variant Classification Scheme 2023. Collection method: clinical testing. Allele origin: germline.
Comment: The p.E891K variant (also known as c.2671G>A), located in coding exon 11 of the MET gene, results from a G to A substitution at nucleotide position 2671. The glutamic acid at codon 891 is replaced by lysine, an amino acid with similar properties. This amino acid position is well conserved in available vertebrate species. In addition, the in silico prediction for this alteration is inconclusive. Since supporting evidence is limited at this time, the clinical significance of this alteration remains unclear.

NM_000245.4(MET):c.2617G>A (p.Glu873Lys)

Gene: MET (MET proto-oncogene, receptor tyrosine kinase; plus strand). Cytogenetic location: 7q31.2.
Variant type: single nucleotide variant.
Coding change: c.2617G>A on transcript NM_000245.4 (MANE Select); coding-DNA position 2617, G replaced by A.
Protein change: p.Glu873Lys; replaces glutamic acid 873 with lysine.
Molecular consequence: missense variant.
Genome position (GRCh38, 1-based): chr7:116,769,678, G>A. VCF-style: chr7-116769678-G-A. GRCh37 (hg19) VCF-style: chr7-116409732-G-A.
Other names: c.2671G>A, p.Glu891Lys (NM_001127500.3); c.2617G>A, p.Glu873Lys (NM_001324401.3); c.1327G>A, p.Glu443Lys (NM_001324402.2); short protein forms E873K, E443K, E891K.
Identifiers: ClinVar variation 2587471 (VCV002587471.2), dbSNP rs2116982958, ClinGen allele CA368985385.